The following is an entry in ClinVar:

ClinVar aggregate classification (germline): Uncertain significance (1 of 4 stars; one submission).

Submission:

Ambry Genetics
Classification: Uncertain significance. Last evaluated: 2023-05-04. Review status: criteria provided, single submitter. Criteria: Ambry Variant Classification Scheme 2023. Collection method: clinical testing. Allele origin: germline.
Comment: The p.G2507C variant (also known as c.7519G>T), located in coding exon 28 of the POLQ gene, results from a G to T substitution at nucleotide position 7519. The glycine at codon 2507 is replaced by cysteine, an amino acid with highly dissimilar properties. This amino acid position is conserved. In addition, this alteration is predicted to be tolerated by in silico analysis. Since supporting evidence is limited at this time, the clinical significance of this alteration remains unclear.

NM_199420.4(POLQ):c.7519G>T (p.Gly2507Cys)

Gene: POLQ (DNA polymerase theta; minus strand). Cytogenetic location: 3q13.33.
Variant type: single nucleotide variant.
Coding change: c.7519G>T on transcript NM_199420.4 (MANE Select); coding-DNA position 7519, G replaced by T.
Protein change: p.Gly2507Cys; replaces glycine 2507 with cysteine.
Molecular consequence: missense variant.
Genome position (GRCh38, 1-based): chr3:121,436,146, C>A on the plus strand (G>T on the coding strand, the complement: POLQ is on the minus strand). VCF-style: chr3-121436146-C-A. GRCh37 (hg19) VCF-style: chr3-121154993-C-A.
Other names: short protein forms G2507C.
Identifiers: ClinVar variation 2563827 (VCV002563827.2), dbSNP rs2546747176, ClinGen allele CA354095624.